The following is an entry in ClinVar:

ClinVar aggregate classification (germline): Uncertain significance. Review status: criteria provided, multiple submitters, no conflicts (2 of 4 stars). 2 submissions from 2 submitters: Uncertain significance (2). Last evaluated 2024-03-29.

Conditions:
Hereditary cancer-predisposing syndrome. Also called: Neoplastic Syndromes, Hereditary; Tumor predisposition; Hereditary neoplastic syndrome; Hereditary Cancer Syndrome. Identifiers: Orphanet 140162, MedGen C0027672, MeSH D009386, MONDO:0015356.
Fanconi anemia (FA). Also called: Fanconi's anemia. Identifiers: Orphanet 84, MedGen C0015625, MeSH D005199, MONDO:0019391.

gnomAD v4.1: 1 of 1,612,680 alleles (0.000062%); no homozygotes.

Submissions (2):

Labcorp Genetics (formerly Invitae), Labcorp
Classification: Uncertain significance for Fanconi anemia. Last evaluated: 2024-03-29. Review status: criteria provided, single submitter. Criteria: Invitae Variant Classification Sherloc (09022015). Collection method: clinical testing. Allele origin: germline.
Comment: This sequence change replaces threonine, which is neutral and polar, with proline, which is neutral and non-polar, at codon 171 of the FANCC protein (p.Thr171Pro). This variant is not present in population databases (gnomAD no frequency). This variant has not been reported in the literature in individuals affected with FANCC-related conditions. ClinVar contains an entry for this variant (Variation ID: 2145928). Advanced modeling of protein sequence and biophysical properties (such as structural, functional, and spatial information, amino acid conservation, physicochemical variation, residue mobility, and thermodynamic stability) performed at Invitae indicates that this missense variant is not expected to disrupt FANCC protein function with a negative predictive value of 80%. In summary, the available evidence is currently insufficient to determine the role of this variant in disease. Therefore, it has been classified as a Variant of Uncertain Significance.

Ambry Genetics
Classification: Uncertain significance for Hereditary cancer-predisposing syndrome. Last evaluated: 2023-04-10. Review status: criteria provided, single submitter. Criteria: Ambry Variant Classification Scheme 2023. Collection method: clinical testing. Allele origin: germline.
Comment: The p.T171P variant (also known as c.511A>C), located in coding exon 5 of the FANCC gene, results from an A to C substitution at nucleotide position 511. The threonine at codon 171 is replaced by proline, an amino acid with highly similar properties. This amino acid position is conserved. In addition, this alteration is predicted to be tolerated by in silico analysis. Since supporting evidence is limited at this time, the clinical significance of this alteration remains unclear.

NM_000136.3(FANCC):c.511A>C (p.Thr171Pro)

Gene: FANCC (FA complementation group C; minus strand). Cytogenetic location: 9q22.32.
Variant type: single nucleotide variant.
Coding change: c.511A>C on transcript NM_000136.3 (MANE Select); coding-DNA position 511, A replaced by C.
Protein change: p.Thr171Pro; replaces threonine 171 with proline.
Molecular consequence: missense variant.
Genome position (GRCh38, 1-based): chr9:95,171,089, T>G on the plus strand (A>C on the coding strand, the complement: FANCC is on the minus strand). VCF-style: chr9-95171089-T-G. GRCh37 (hg19) VCF-style: chr9-97933371-T-G.
Other names: c.511A>C, p.Thr171Pro (NM_001243743.2, NM_001243744.2); short protein forms T171P.
Identifiers: ClinVar variation 2145928 (VCV002145928.5), dbSNP rs1554842592, ClinGen allele CA374338560.